The following is an entry in ClinVar:

ClinVar aggregate classification (germline): Likely benign. Review status: criteria provided, multiple submitters, no conflicts (2 of 4 stars). 3 submissions from 3 submitters: Likely benign (3). Last evaluated 2026-09-21.

Conditions:
LRP5-related disorder. Also called: LRP5-related condition.

Allele frequency attached by ClinVar (database versions not stated): gnomAD 0.00001; TOPMed 0.00002; ExAC 0.00009.
gnomAD v4.1: 46 of 1,612,904 alleles (0.0029%); highest among the groups gnomAD compares: Admixed American, 0.0033%; no homozygotes.

Submissions (3):

PreventionGenetics, part of Exact Sciences
Classification: Likely benign for LRP5-related condition. Last evaluated: 2026-09-21. Review status: criteria provided, single submitter. Criteria: ACMG Guidelines, 2015. Collection method: clinical testing. Allele origin: germline.
Comment: This variant is classified as likely benign based on ACMG/AMP sequence variant interpretation guidelines (Richards et al. 2015 PMID: 25741868, with internal and published modifications).

Labcorp Genetics (formerly Invitae), Labcorp
Classification: Likely benign. Last evaluated: 2023-12-01. Review status: criteria provided, single submitter. Criteria: Invitae Variant Classification Sherloc (09022015). Collection method: clinical testing. Allele origin: germline.

Blueprint Genetics
Classification: Likely benign. Last evaluated: 2022-09-05. Review status: criteria provided, single submitter. Criteria: ACMG Guidelines, 2015. Collection method: clinical testing. Allele origin: germline.

NM_002335.4(LRP5):c.4323C>T (p.Gly1441=)

Gene: LRP5 (LDL receptor related protein 5; plus strand). Cytogenetic location: 11q13.2.
Variant type: single nucleotide variant.
Coding change: c.4323C>T on transcript NM_002335.4 (MANE Select); coding-DNA position 4323, C replaced by T.
Protein change: p.Gly1441=; no amino-acid change (glycine 1441 retained).
Molecular consequence: synonymous variant.
Genome position (GRCh38, 1-based): chr11:68,438,657, C>T. VCF-style: chr11-68438657-C-T. GRCh37 (hg19) VCF-style: chr11-68206125-C-T.
Other names: c.2580C>T, p.Gly860= (NM_001291902.2); c.4323C>T (NM_002335.3).
Identifiers: ClinVar variation 1586066 (VCV001586066.10), dbSNP rs754632907, ClinGen allele CA6150313.